The following is an entry in ClinVar:

NM_001127222.2(CACNA1A):c.5488G>A (p.Glu1830Lys)

Gene: CACNA1A (calcium voltage-gated channel subunit alpha1 A; minus strand). Cytogenetic location: 19p13.13.
Variant type: single nucleotide variant.
Coding change: c.5488G>A on transcript NM_001127222.2 (MANE Select); coding-DNA position 5488, G replaced by A.
Protein change: p.Glu1830Lys; replaces glutamic acid 1830 with lysine.
Molecular consequence: missense variant.
Genome position (GRCh38, 1-based): chr19:13,230,122, C>T on the plus strand (G>A on the coding strand, the complement: CACNA1A is on the minus strand). VCF-style: chr19-13230122-C-T. GRCh37 (hg19) VCF-style: chr19-13340936-C-T.
Other names: c.5506G>A, p.Glu1836Lys (NM_000068.4, NM_023035.3); c.5491G>A, p.Glu1831Lys (NM_001127221.2); c.5497G>A, p.Glu1833Lys (NM_001174080.2); short protein forms E1831K, E1836K, E1830K, E1833K.
Identifiers: ClinVar variation 391944 (VCV000391944.6), dbSNP rs746886324, ClinGen allele CA9239726.
Genomic context (GRCh38, chr19:13,230,122, plus strand): 5'-GATTCGGGGTGACTTCTTACCAAGCTGCGGGGTCATACTCGGCCCAGACACGCACGTACT[C>T]ATCCAGGTGGTGGGGGCCCAGGATGGAGGAGTCTCGGGTGAGGTACTCAAAGTTGTCCAT-3'
Protein context (NP_001120694.1, residues 1820-1840): SSILGPHHLD[Glu1830Lys]YVRVWAEYDP

ClinVar aggregate classification (germline): Uncertain significance. Review status: criteria provided, multiple submitters, no conflicts (2 of 4 stars). 2 submissions from 2 submitters: Uncertain significance (2). Last evaluated 2026-09-18.

Conditions:
Episodic ataxia type 2 (EA2). Also called: ACETAZOLAMIDE-RESPONSIVE HEREDITARY PAROXYSMAL CEREBELLAR ATAXIA; ATAXIA, EPISODIC, WITH NYSTAGMUS; ATAXIA, FAMILIAL PAROXYSMAL; CEREBELLAR ATAXIA, PAROXYSMAL, ACETAZOLAMIDE-RESPONSIVE; CEREBELLOPATHY, HEREDITARY PAROXYSMAL; EPISODIC ATAXIA, NYSTAGMUS-ASSOCIATED. Identifiers: Orphanet 97, MedGen C1720416, MONDO:0007163, OMIM 108500.
Developmental and epileptic encephalopathy, 42 (DEE42A). Also called: Epileptic encephalopathy, early infantile, 42; DEVELOPMENTAL AND EPILEPTIC ENCEPHALOPATHY 42A; EPILEPTIC ENCEPHALOPATHY, EARLY INFANTILE, 42A. Identifiers: MedGen C4310716, MONDO:0014917, OMIM 617106.

Allele frequency attached by ClinVar (database versions not stated): TOPMed below 0.00001; gnomAD exomes below 0.00001; ExAC 0.00001.
gnomAD v4.1: 1 of 1,613,882 alleles (0.000062%); no homozygotes.

Submissions (2):

GeneDx
Classification: Uncertain significance. Last evaluated: 2026-09-18. Review status: criteria provided, single submitter. Criteria: GeneDx Variant Classification Process June 2021. Collection method: clinical testing. Allele origin: germline.
Comment: Not observed at significant frequency in large population cohorts (gnomAD); In silico analysis supports that this missense variant has a deleterious effect on protein structure/function; Has not been previously published as pathogenic or benign to our knowledge

Labcorp Genetics (formerly Invitae), Labcorp
Classification: Uncertain significance for Developmental and epileptic encephalopathy, 42; Episodic ataxia type 2. Last evaluated: 2024-08-24. Review status: criteria provided, single submitter. Criteria: Invitae Variant Classification Sherloc (09022015). Collection method: clinical testing. Allele origin: germline.
Comment: This sequence change replaces glutamic acid, which is acidic and polar, with lysine, which is basic and polar, at codon 1831 of the CACNA1A protein (p.Glu1831Lys). This variant is present in population databases (rs746886324, gnomAD 0.0009%). This variant has not been reported in the literature in individuals affected with CACNA1A-related conditions. ClinVar contains an entry for this variant (Variation ID: 391944). Invitae Evidence Modeling of protein sequence and biophysical properties (such as structural, functional, and spatial information, amino acid conservation, physicochemical variation, residue mobility, and thermodynamic stability) indicates that this missense variant is expected to disrupt CACNA1A protein function with a positive predictive value of 95%. In summary, the available evidence is currently insufficient to determine the role of this variant in disease. Therefore, it has been classified as a Variant of Uncertain Significance.